The following is an entry in ClinVar:

ClinVar aggregate classification (germline): Benign/Likely benign. Review status: criteria provided, multiple submitters, no conflicts (2 of 4 stars). 5 submissions from 5 submitters: Benign (1); Likely benign (4). Last evaluated 2026-05-18.

Conditions:
Hereditary cancer-predisposing syndrome. Also called: Hereditary neoplastic syndrome; Neoplastic Syndromes, Hereditary; Hereditary Cancer Syndrome; Tumor predisposition. Identifiers: Orphanet 140162, MedGen C0027672, MeSH D009386, MONDO:0015356.
Cardiovascular phenotype. Identifiers: MedGen CN230736.
Neurofibromatosis, type 1 (NF1). Also called: Peripheral type neurofibromatosis; Neurofibromatosis, type I; VON RECKLINGHAUSEN DISEASE; NEUROFIBROMATOSIS, TYPE I, SOMATIC. Identifiers: Orphanet 636, MedGen C0027831, MONDO:0018975, OMIM 162200. Disease mechanism: loss of function.

Allele frequency attached by ClinVar (database versions not stated): TOPMed below 0.00001.
gnomAD v4.1: 7 of 1,613,916 alleles (0.00043%); highest among the groups gnomAD compares: South Asian, 0.0011%; no homozygotes.

Submissions (5):

Myriad Genetics, Inc.
Classification: Benign for Neurofibromatosis, type 1. Last evaluated: 2026-05-18. Review status: criteria provided, single submitter. Criteria: Myriad Autosomal Dominant, Autosomal Recessive and X-Linked Classification Criteria (2023). Collection method: clinical testing. Allele origin: unknown.
Comment: This variant is considered benign. This variant is a silent/synonymous amino acid change and it is not expected to impact splicing.

Labcorp Genetics (formerly Invitae), Labcorp
Classification: Likely benign for Neurofibromatosis, type 1. Last evaluated: 2026-01-06. Review status: criteria provided, single submitter. Criteria: Invitae Variant Classification Sherloc (09022015). Collection method: clinical testing. Allele origin: germline.

Genome-Nilou Lab
Classification: Likely benign for Neurofibromatosis, type 1. Last evaluated: 2022-03-15. Review status: criteria provided, single submitter. Criteria: ACMG Guidelines, 2015. Collection method: clinical testing. Allele origin: germline. Affected: no.

GeneDx
Classification: Likely benign. Last evaluated: 2018-06-19. Review status: criteria provided, single submitter. Criteria: GeneDx Variant Classification (06012015). Collection method: clinical testing. Allele origin: germline. Affected: yes.
Comment: This variant is considered likely benign or benign based on one or more of the following criteria: it is a conservative change, it occurs at a poorly conserved position in the protein, it is predicted to be benign by multiple in silico algorithms, and/or has population frequency not consistent with disease.

Ambry Genetics
Classification: Likely benign for Cardiovascular phenotype; Hereditary cancer-predisposing syndrome. Last evaluated: 2016-07-21. Review status: criteria provided, single submitter. Criteria: Ambry Variant Classification Scheme 2023. Collection method: clinical testing. Allele origin: germline.

NM_001042492.3(NF1):c.2160G>T (p.Arg720=)

Gene: NF1 (neurofibromin 1; plus strand). Cytogenetic location: 17q11.2.
Variant type: single nucleotide variant.
Coding change: c.2160G>T on transcript NM_001042492.3 (MANE Select); coding-DNA position 2160, G replaced by T.
Protein change: p.Arg720=; no amino-acid change (arginine 720 retained).
Molecular consequence: synonymous variant.
Genome position (GRCh38, 1-based): chr17:31,226,593, G>T. VCF-style: chr17-31226593-G-T. GRCh37 (hg19) VCF-style: chr17-29553611-G-T.
Other names: c.2160G>T, p.Arg720= (NM_000267.4).
Identifiers: ClinVar variation 480148 (VCV000480148.13), dbSNP rs765339408, ClinGen allele CA499443857.